The following is an entry in ClinVar:

NM_006439.5(MAB21L2):c.518C>A (p.Ala173Glu)

Genes: LRBA (LPS responsive beige-like anchor protein; minus strand), MAB21L2 (mab-21 like 2; plus strand). Cytogenetic location: 4q31.3.
Variant type: single nucleotide variant.
Coding change: c.518C>A on transcript NM_006439.5 (MANE Select); coding-DNA position 518, C replaced by A.
Protein change: p.Ala173Glu; replaces alanine 173 with glutamic acid.
Molecular consequence: missense variant. On other transcripts: intron variant (6).
Genome position (GRCh38, 1-based): chr4:150,583,547, C>A. VCF-style: chr4-150583547-C-A. GRCh37 (hg19) VCF-style: chr4-151504699-C-A.
Other names: c.6330+4501G>T (NM_001367550.1, NM_001199282.3, NM_001364905.1 and 1 more transcripts); c.6363+4501G>T (NM_006726.5, NM_001440430.1); short protein forms A173E.
Identifiers: ClinVar variation 4741890 (VCV004741890.1).
Genomic context (GRCh38, chr4:150,583,547, plus strand): 5'-CGGACACCAGCGAGGTCAAGTTGCGCATCAGGGAGCGCTATGTGGTGCAAATCACTCCGG[C>A]GTTCAAGTGCACCGGGATCTGGCCTCGCAGCGCGGCACAGTGGCCTATGCCCCACATCCC-3'
Protein context (NP_006430.1, residues 163-183): RERYVVQITP[Ala173Glu]FKCTGIWPRS

ClinVar aggregate classification (germline): Uncertain significance (1 of 4 stars; one submission).

Submission:

Labcorp Genetics (formerly Invitae), Labcorp
Classification: Uncertain significance. Last evaluated: 2025-08-13. Review status: criteria provided, single submitter. Criteria: Invitae Variant Classification Sherloc (09022015). Collection method: clinical testing. Allele origin: germline.
Comment: This sequence change replaces alanine, which is neutral and non-polar, with glutamic acid, which is acidic and polar, at codon 173 of the MAB21L2 protein (p.Ala173Glu). This variant is not present in population databases (gnomAD no frequency). This variant has not been reported in the literature in individuals affected with MAB21L2-related conditions. Invitae Evidence Modeling of protein sequence and biophysical properties (such as structural, functional, and spatial information, amino acid conservation, physicochemical variation, residue mobility, and thermodynamic stability) indicates that this missense variant is expected to disrupt MAB21L2 protein function with a positive predictive value of 80%. In summary, the available evidence is currently insufficient to determine the role of this variant in disease. Therefore, it has been classified as a Variant of Uncertain Significance.